The following is an entry in ClinVar:

NM_000059.4(BRCA2):c.7175A>C (p.Lys2392Thr)

Gene: BRCA2 (BRCA2 DNA repair associated; plus strand). Cytogenetic location: 13q13.1.
Variant type: single nucleotide variant.
Coding change: c.7175A>C on transcript NM_000059.4 (MANE Select); coding-DNA position 7175, A replaced by C.
Protein change: p.Lys2392Thr; replaces lysine 2392 with threonine.
Molecular consequence: missense variant.
Genome position (GRCh38, 1-based): chr13:32,355,028, A>C. VCF-style: chr13-32355028-A-C. GRCh37 (hg19) VCF-style: chr13-32929165-A-C.
Other names: short protein forms K2392T.
Identifiers: ClinVar variation 930253 (VCV000930253.4), dbSNP rs2072679105, ClinGen allele CA387739534.

ClinVar aggregate classification (germline): Uncertain significance. Review status: criteria provided, multiple submitters, no conflicts (2 of 4 stars). 2 submissions from 2 submitters: Uncertain significance (2). Last evaluated 2026-05-02.

Conditions:
Hereditary cancer-predisposing syndrome. Also called: Hereditary Cancer Syndrome; Neoplastic Syndromes, Hereditary; Tumor predisposition; Hereditary neoplastic syndrome. Identifiers: Orphanet 140162, MedGen C0027672, MeSH D009386, MONDO:0015356.
Breast-ovarian cancer, familial, susceptibility to, 2 (BROVCA2). Also called: BRCA2 Hereditary Breast and Ovarian Cancer. Identifiers: Orphanet 145, MedGen C2675520, MONDO:0012933, OMIM 612555. Disease mechanism: loss of function.

Submissions (2):

Ambry Genetics
Classification: Uncertain significance for Hereditary cancer-predisposing syndrome. Last evaluated: 2026-05-02. Review status: criteria provided, single submitter. Criteria: Ambry Variant Classification Scheme 2023. Collection method: clinical testing. Allele origin: germline.
Comment: The p.K2392T variant (also known as c.7175A>C), located in coding exon 13 of the BRCA2 gene, results from an A to C substitution at nucleotide position 7175. The lysine at codon 2392 is replaced by threonine, an amino acid with similar properties. This amino acid position is conserved. In addition, this alteration is predicted to be tolerated by in silico analysis. Based on the available evidence, the clinical significance of this variant remains unclear.

Centre for Mendelian Genomics, University Medical Centre Ljubljana
Classification: Uncertain significance for Breast-ovarian cancer, familial, susceptibility to, 2. Last evaluated: 2020-03-02. Review status: criteria provided, single submitter. Criteria: ACMG Guidelines, 2015. Collection method: clinical testing. Allele origin: unknown. Affected: yes.
Comment: This variant was classified as: Uncertain significance. The available evidence on this variant's pathogenicity is insufficient or conflicting. The following ACMG criteria were applied in classifying this variant: PM2,BP4.